The following is an entry in ClinVar:

ClinVar aggregate classification (germline): Uncertain significance. Review status: criteria provided, multiple submitters, no conflicts (2 of 4 stars). 6 submissions from 6 submitters: Uncertain significance (5). 1 of the submissions does not count toward it. Last evaluated 2026-03-03.

Conditions:
HARS1-related disorder. Also called: HARS1-related condition.
Usher syndrome type 3B. Also called: USHER SYNDROME, TYPE IIIB. Identifiers: MedGen C3281066, MONDO:0013788, OMIM 614504.

Allele frequency attached by ClinVar (database versions not stated): gnomAD exomes below 0.00001 and 0.00002.
gnomAD v4.1: 34 of 1,614,232 alleles (0.0021%); highest among the groups gnomAD compares: Non-Finnish European, 0.0028%; no homozygotes.

Submissions (6):

Ambry Genetics
Classification: Uncertain significance. Last evaluated: 2026-03-03. Review status: criteria provided, single submitter. Criteria: Ambry Variant Classification Scheme 2023. Collection method: clinical testing. Allele origin: germline.
Comment: The c.1420G>A (p.G474R) alteration is located in exon 12 (coding exon 12) of the HARS gene. This alteration results from a G to A substitution at nucleotide position 1420, causing the glycine (G) at amino acid position 474 to be replaced by an arginine (R). Based on data from gnomAD, the A allele has an overall frequency of <0.001% (1/251412) total alleles studied. The highest observed frequency was 0.001% (1/113690) of European (non-Finnish) alleles. Based on insufficient or conflicting evidence, the clinical significance of this alteration remains unclear.

Labcorp Genetics (formerly Invitae), Labcorp
Classification: Uncertain significance for Usher syndrome type 3B. Last evaluated: 2025-12-16. Review status: criteria provided, single submitter. Criteria: Invitae Variant Classification Sherloc (09022015). Collection method: clinical testing. Allele origin: germline.
Comment: This sequence change replaces glycine, which is neutral and non-polar, with arginine, which is basic and polar, at codon 474 of the HARS protein (p.Gly474Arg). This variant is present in population databases (no rsID available, gnomAD 0.0009%). This variant has not been reported in the literature in individuals affected with HARS-related conditions. ClinVar contains an entry for this variant (Variation ID: 856475). Invitae Evidence Modeling of protein sequence and biophysical properties (such as structural, functional, and spatial information, amino acid conservation, physicochemical variation, residue mobility, and thermodynamic stability) indicates that this missense variant is not expected to disrupt HARS protein function with a negative predictive value of 80%. In summary, the available evidence is currently insufficient to determine the role of this variant in disease. Therefore, it has been classified as a Variant of Uncertain Significance.

PreventionGenetics, part of Exact Sciences
Classification: Uncertain significance for HARS1-related condition. Last evaluated: 2025-12-03. Review status: criteria provided, single submitter. Criteria: ACMG Guidelines, 2015. Collection method: clinical testing. Allele origin: germline.
Comment: The HARS1 c.1420G>A variant is predicted to result in the amino acid substitution p.Gly474Arg. To our knowledge, this variant has not been reported in the literature. This variant is reported in 0.00088% of alleles in individuals of European (Non-Finnish) descent in gnomAD. At this time, the clinical significance of this variant is uncertain due to the absence of conclusive functional and genetic evidence.

Blueprint Genetics
Classification: Uncertain significance. Last evaluated: 2023-09-15. Review status: criteria provided, single submitter. Criteria: ACMG Guidelines, 2015. Collection method: clinical testing. Allele origin: germline.

GeneDx
Classification: Uncertain significance. Last evaluated: 2019-05-30. Review status: criteria provided, single submitter. Criteria: GeneDx Variant Classification Process June 2021. Collection method: clinical testing. Allele origin: germline. Affected: yes.
Comment: In silico analysis, which includes protein predictors and evolutionary conservation, supports a deleterious effect; Has not been previously published as pathogenic or benign to our knowledge

Department of Pathology and Laboratory Medicine, Sinai Health System
Classification: Uncertain significance. Review status: no assertion criteria provided. Collection method: clinical testing. Allele origin: unknown. Affected: yes. Study: The Canadian Open Genetics Repository (COGR). Not counted in ClinVar's aggregate classification.
Comment: The HARS p.Gly445Arg variant was not identified in the literature nor was it identified in ClinVar or LOVD 3.0. The variant was identified in dbSNP (ID: rs971012132) and in control databases in 1 of 251412 chromosomes at a frequency of 0.000003978 (Genome Aggregation Database March 6, 2019, v2.1.1). The variant was observed in the European (non-Finnish) population in 1 of 113690 chromosomes (freq: 0.000009), but was not observed in the African, Latino, Ashkenazi Jewish, East Asian, European (Finnish), Other, or South Asian populations. The p.Gly445 residue is conserved in mammals and computational analyses (PolyPhen-2, SIFT, AlignGVGD, BLOSUM, MutationTaster) suggest that the variant may impact the protein; this information is not very predictive of pathogenicity. The variant occurs outside of the splicing consensus sequence and in silico or computational prediction software programs (SpliceSiteFinder, MaxEntScan, NNSPLICE, GeneSplicer) do not predict a difference in splicing. In summary, based on the above information the clinical significance of this variant cannot be determined with certainty at this time. This variant is classified as a variant of uncertain significance.

NM_002109.6(HARS1):c.1420G>A (p.Gly474Arg)

Gene: HARS1 (histidyl-tRNA synthetase 1; minus strand). Cytogenetic location: 5q31.3.
Variant type: single nucleotide variant.
Coding change: c.1420G>A on transcript NM_002109.6 (MANE Select); coding-DNA position 1420, G replaced by A.
Protein change: p.Gly474Arg; replaces glycine 474 with arginine.
Molecular consequence: missense variant.
Genome position (GRCh38, 1-based): chr5:140,674,717, C>T on the plus strand (G>A on the coding strand, the complement: HARS1 is on the minus strand). VCF-style: chr5-140674717-C-T. GRCh37 (hg19) VCF-style: chr5-140054302-C-T.
Other names: c.1300G>A, p.Gly434Arg (NM_001258040.3); c.1360G>A, p.Gly454Arg (NM_001258041.3); c.1240G>A, p.Gly414Arg (NM_001258042.3); c.1198G>A, p.Gly400Arg (NM_001289092.2); c.1078G>A, p.Gly360Arg (NM_001289093.2); c.1333G>A, p.Gly445Arg (NM_001289094.2); c.1420G>A (NM_002109.3); short protein forms G360R, G414R, G400R, G474R, G434R, G454R, G445R.
Identifiers: ClinVar variation 856475 (VCV000856475.14), dbSNP rs971012132, ClinGen allele CA128376643.